The following is an entry in ClinVar:

NM_014141.6(CNTNAP2):c.898C>T (p.Arg300Cys)

Gene: CNTNAP2 (contactin associated protein 2; plus strand). Cytogenetic location: 7q35.
Variant type: single nucleotide variant.
Coding change: c.898C>T on transcript NM_014141.6 (MANE Select); coding-DNA position 898, C replaced by T.
Protein change: p.Arg300Cys; replaces arginine 300 with cysteine.
Molecular consequence: missense variant.
Genome position (GRCh38, 1-based): chr7:147,121,122, C>T. VCF-style: chr7-147121122-C-T. GRCh37 (hg19) VCF-style: chr7-146818214-C-T.
Other names: short protein forms R300C.
Identifiers: ClinVar variation 411998 (VCV000411998.7), dbSNP rs577870607, ClinGen allele CA4545910.

ClinVar aggregate classification (germline): Uncertain significance. Review status: criteria provided, multiple submitters, no conflicts (2 of 4 stars). 2 submissions from 2 submitters: Uncertain significance (2). Last evaluated 2022-08-23.

Conditions:
Cortical dysplasia-focal epilepsy syndrome (PTHSL1). Also called: Pitt-Hopkins-like syndrome 1. Identifiers: Orphanet 163681, Orphanet 221150, MedGen C2750246, MONDO:0012400, OMIM 610042.

Allele frequency attached by ClinVar (database versions not stated): gnomAD 0.00001; gnomAD exomes 0.00001 and 0.00004; TOPMed 0.00002; ExAC 0.00006.
gnomAD v4.1: 25 of 1,613,936 alleles (0.0015%); highest among the groups gnomAD compares: Admixed American, 0.012%; no homozygotes.

Submissions (2):

Labcorp Genetics (formerly Invitae), Labcorp
Classification: Uncertain significance for Cortical dysplasia-focal epilepsy syndrome. Last evaluated: 2022-08-23. Review status: criteria provided, single submitter. Criteria: Invitae Variant Classification Sherloc (09022015). Collection method: clinical testing. Allele origin: germline.
Comment: This sequence change replaces arginine, which is basic and polar, with cysteine, which is neutral and slightly polar, at codon 300 of the CNTNAP2 protein (p.Arg300Cys). This variant is present in population databases (rs577870607, gnomAD 0.02%). This variant has not been reported in the literature in individuals affected with CNTNAP2-related conditions. ClinVar contains an entry for this variant (Variation ID: 411998). Algorithms developed to predict the effect of missense changes on protein structure and function are either unavailable or do not agree on the potential impact of this missense change (SIFT: "Deleterious"; PolyPhen-2: "Probably Damaging"; Align-GVGD: "Class C0"). In summary, the available evidence is currently insufficient to determine the role of this variant in disease. Therefore, it has been classified as a Variant of Uncertain Significance.

GeneDx
Classification: Uncertain significance. Last evaluated: 2022-01-06. Review status: criteria provided, single submitter. Criteria: GeneDx Variant Classification Process June 2021. Collection method: clinical testing. Allele origin: germline. Affected: yes.
Comment: In silico analysis supports that this missense variant has a deleterious effect on protein structure/function; Has not been previously published as pathogenic or benign to our knowledge; This variant is associated with the following publications: (PMID: 19896112)